The following is an entry in ClinVar:

NM_004655.4(AXIN2):c.126G>C (p.Lys42Asn)

Gene: AXIN2 (axin 2; minus strand). Cytogenetic location: 17q24.1.
Variant type: single nucleotide variant.
Coding change: c.126G>C on transcript NM_004655.4 (MANE Select); coding-DNA position 126, G replaced by C.
Protein change: p.Lys42Asn; replaces lysine 42 with asparagine.
Molecular consequence: missense variant.
Genome position (GRCh38, 1-based): chr17:65,558,495, C>G on the plus strand (G>C on the coding strand, the complement: AXIN2 is on the minus strand). VCF-style: chr17-65558495-C-G. GRCh37 (hg19) VCF-style: chr17-63554613-C-G.
Other names: c.126G>C, p.Lys42Asn (NM_001363813.1); c.126G>C (LRG_296t1); short protein forms K42N.
Identifiers: ClinVar variation 464530 (VCV000464530.15), dbSNP rs1555583730, ClinGen allele CA400682115.

ClinVar aggregate classification (germline): Uncertain significance. Review status: criteria provided, multiple submitters, no conflicts (2 of 4 stars). 3 submissions from 3 submitters: Uncertain significance (3). Last evaluated 2025-10-22.

Conditions:
Colorectal cancer. Also called: Malignant Colorectal Neoplasm; Colorectal cancer, somatic. Identifiers: MedGen C0346629, MONDO:0005575, OMIM 114500.
Oligodontia-cancer predisposition syndrome. Also called: TOOTH AGENESIS-COLORECTAL CANCER SYNDROME. Identifiers: Orphanet 300576, MedGen C1837750, MONDO:0012075, OMIM 608615. Disease mechanism: loss of function.
Hereditary cancer-predisposing syndrome. Also called: Neoplastic Syndromes, Hereditary; Tumor predisposition; Hereditary Cancer Syndrome; Hereditary neoplastic syndrome. Identifiers: Orphanet 140162, MedGen C0027672, MeSH D009386, MONDO:0015356.

Submissions (3):

Labcorp Genetics (formerly Invitae), Labcorp
Classification: Uncertain significance for Oligodontia-cancer predisposition syndrome. Last evaluated: 2025-10-22. Review status: criteria provided, single submitter. Criteria: Invitae Variant Classification Sherloc (09022015). Collection method: clinical testing. Allele origin: germline.
Comment: This sequence change replaces lysine, which is basic and polar, with asparagine, which is neutral and polar, at codon 42 of the AXIN2 protein (p.Lys42Asn). This variant is not present in population databases (gnomAD no frequency). This variant has not been reported in the literature in individuals affected with AXIN2-related conditions. ClinVar contains an entry for this variant (Variation ID: 464530). Invitae Evidence Modeling of protein sequence and biophysical properties (such as structural, functional, and spatial information, amino acid conservation, physicochemical variation, residue mobility, and thermodynamic stability) indicates that this missense variant is not expected to disrupt AXIN2 protein function with a negative predictive value of 80%. In summary, the available evidence is currently insufficient to determine the role of this variant in disease. Therefore, it has been classified as a Variant of Uncertain Significance.

Ambry Genetics
Classification: Uncertain significance for Hereditary cancer-predisposing syndrome. Last evaluated: 2025-03-08. Review status: criteria provided, single submitter. Criteria: Ambry Variant Classification Scheme 2023. Collection method: clinical testing. Allele origin: germline.
Comment: The p.K42N variant (also known as c.126G>C), located in coding exon 1 of the AXIN2 gene, results from a G to C substitution at nucleotide position 126. The lysine at codon 42 is replaced by asparagine, an amino acid with similar properties. This amino acid position is conserved. In addition, this alteration is predicted to be tolerated by in silico analysis. Since supporting evidence is limited at this time, the clinical significance of this alteration remains unclear.

Fulgent Genetics
Classification: Uncertain significance for Colorectal cancer; Oligodontia-cancer predisposition syndrome. Last evaluated: 2024-03-07. Review status: criteria provided, single submitter. Criteria: ACMG Guidelines, 2015. Collection method: clinical testing. Allele origin: germline.